The following is an entry in ClinVar:

ClinVar aggregate classification (germline): Pathogenic. Review status: criteria provided, multiple submitters, no conflicts (2 of 4 stars). 3 submissions from 3 submitters: Pathogenic (3). Last evaluated 2026-05-20.

Conditions:
Retinoblastoma (RB1). Also called: RETINOBLASTOMA, SOMATIC. Identifiers: Orphanet 790, MedGen C0035335, MeSH D012175, MONDO:0008380, OMIM 180200, HP:0009919. Disease mechanism: loss of function. Inheritance: Both sporadic and heritable forms are tested..
Hereditary cancer-predisposing syndrome. Also called: Tumor predisposition; Hereditary Cancer Syndrome; Hereditary neoplastic syndrome; Neoplastic Syndromes, Hereditary. Identifiers: Orphanet 140162, MedGen C0027672, MeSH D009386, MONDO:0015356.

Submissions (3):

Ambry Genetics
Classification: Pathogenic for Hereditary cancer-predisposing syndrome. Last evaluated: 2026-05-20. Review status: criteria provided, single submitter. Criteria: Ambry Variant Classification Scheme 2023. Collection method: clinical testing. Allele origin: germline.
Comment: The p.L523* pathogenic mutation (also known as c.1568T>G), located in coding exon 17 of the RB1 gene, results from a T to G substitution at nucleotide position 1568. This changes the amino acid from a leucine to a stop codon within coding exon 17. This variant was reported in individual(s) with features consistent with RB1-related retinoblastoma; in at least one individual, it was determined to be de novo (Aggarwala V et al. BMC Genomics, 2017 Feb;18:155; Ambry internal data). This variant is considered to be rare based on population cohorts in the Genome Aggregation Database (gnomAD). This variant is expected to result in loss of function by premature protein truncation or nonsense-mediated mRNA decay. As such, this variant is interpreted as a disease-causing mutation.

Genetic Diagnostic Laboratory, University of Pennsylvania School of Medicine
Classification: Pathogenic for Retinoblastoma. Last evaluated: 2024-05-20. Review status: criteria provided, single submitter. Criteria: ACMG Guidelines, 2015. Collection method: clinical testing. Allele origin: germline. Affected: yes. Observed: 1 variant allele.
Comment: Case and Pedigree Information: BILATERAL CASES:1, UNILATERAL CASES:0, TOTAL CASES:1, PEDIGREES:1. ACMG Codes Applied:PVS1, PM2

Labcorp Genetics (formerly Invitae), Labcorp
Classification: Pathogenic for Retinoblastoma. Last evaluated: 2022-05-31. Review status: criteria provided, single submitter. Criteria: Invitae Variant Classification Sherloc (09022015). Collection method: clinical testing. Allele origin: germline.
Comment: For these reasons, this variant has been classified as Pathogenic. This variant is also known as g.78152T>G. This sequence change creates a premature translational stop signal (p.Leu523*) in the RB1 gene. It is expected to result in an absent or disrupted protein product. Loss-of-function variants in RB1 are known to be pathogenic (PMID: 17096365). This variant is not present in population databases (gnomAD no frequency). This premature translational stop signal has been observed in individual(s) with retinoblastoma (PMID: 28193182). In at least one individual the variant was observed to be de novo.

Literature cited by the submitters: PubMed 28193182 (cited by Ambry Genetics and Labcorp Genetics (formerly Invitae), Labcorp); PubMed 17096365 (cited by Labcorp Genetics (formerly Invitae), Labcorp).

NM_000321.3(RB1):c.1568T>G (p.Leu523Ter)

Gene: RB1 (RB transcriptional corepressor 1; plus strand). Cytogenetic location: 13q14.2.
Variant type: single nucleotide variant.
Coding change: c.1568T>G on transcript NM_000321.3 (MANE Select); coding-DNA position 1568, T replaced by G.
Protein change: p.Leu523Ter; replaces leucine 523 with a stop codon.
Molecular consequence: nonsense.
Genome position (GRCh38, 1-based): chr13:48,381,316, T>G. VCF-style: chr13-48381316-T-G. GRCh37 (hg19) VCF-style: chr13-48955452-T-G.
Other names: c.1568T>G, p.Leu523Ter (NM_001407165.1, NM_001407166.1); short protein forms L523*.
Identifiers: ClinVar variation 2137499 (VCV002137499.6), dbSNP rs2138145156, ClinGen allele CA388163553.